The following is an entry in ClinVar:

ClinVar aggregate classification (germline): Uncertain significance. Review status: criteria provided, multiple submitters, no conflicts (2 of 4 stars). 2 submissions from 2 submitters: Uncertain significance (2). Last evaluated 2025-09-26.

Conditions:
Inborn genetic diseases. Identifiers: MedGen C0950123, MeSH D030342.

Allele frequency attached by ClinVar (database versions not stated): gnomAD 0.00001; gnomAD exomes 0.00001; TOPMed 0.00002.
gnomAD v4.1: 21 of 1,613,852 alleles (0.0013%); highest among the groups gnomAD compares: South Asian, 0.0022%; no homozygotes.

Submissions (2):

Ambry Genetics
Classification: Uncertain significance for Inborn genetic diseases. Last evaluated: 2025-09-26. Review status: criteria provided, single submitter. Criteria: Ambry Variant Classification Scheme 2023. Collection method: clinical testing. Allele origin: germline.

Labcorp Genetics (formerly Invitae), Labcorp
Classification: Uncertain significance. Last evaluated: 2025-08-30. Review status: criteria provided, single submitter. Criteria: Invitae Variant Classification Sherloc (09022015). Collection method: clinical testing. Allele origin: germline.
Comment: This sequence change replaces arginine, which is basic and polar, with glutamine, which is neutral and polar, at codon 339 of the EMC1 protein (p.Arg339Gln). This variant is present in population databases (rs756078343, gnomAD 0.005%). This variant has not been reported in the literature in individuals affected with EMC1-related conditions. ClinVar contains an entry for this variant (Variation ID: 1063378). Invitae Evidence Modeling of protein sequence and biophysical properties (such as structural, functional, and spatial information, amino acid conservation, physicochemical variation, residue mobility, and thermodynamic stability) indicates that this missense variant is not expected to disrupt EMC1 protein function with a negative predictive value of 80%. In summary, the available evidence is currently insufficient to determine the role of this variant in disease. Therefore, it has been classified as a Variant of Uncertain Significance.

NM_015047.3(EMC1):c.1016G>A (p.Arg339Gln)

Genes: EMC1 (ER membrane protein complex subunit 1; minus strand), EMC1-AS1 (EMC1 antisense RNA 1; plus strand). Cytogenetic location: 1p36.13.
Variant type: single nucleotide variant.
Coding change: c.1016G>A on transcript NM_015047.3 (MANE Select); coding-DNA position 1016, G replaced by A.
Protein change: p.Arg339Gln; replaces arginine 339 with glutamine.
Molecular consequence: missense variant.
Genome position (GRCh38, 1-based): chr1:19,239,241, C>T on the plus strand (G>A on the coding strand, the complement: EMC1 is on the minus strand). VCF-style: chr1-19239241-C-T. GRCh37 (hg19) VCF-style: chr1-19565735-C-T.
Other names: c.1016G>A, p.Arg339Gln (NM_001271427.2, NM_001271428.2, NM_001375820.1 and 1 more transcripts); c.950G>A, p.Arg317Gln (NM_001271429.2); c.1016G>A (NM_015047.1); short protein forms R317Q, R339Q.
Identifiers: ClinVar variation 1063378 (VCV001063378.11), dbSNP rs756078343, ClinGen allele CA18821700.
Genomic context (GRCh38, chr1:19,239,241, plus strand): 5'-GAGACCAGGAAGGAAAATCCCAAGTGCTGACTGTTGTTCTCAATACTCACCACTTCATTC[C>T]GACAGGCCATGACTGCAGCCACCGTCTTCTCCCCAGTGGTGGCAAAGCTCACTAGGGCAG-3'
Protein context (NP_055862.1, residues 329-349): EKTVAAVMAC[Arg339Gln]NEVQKSSSSE